The following is an entry in ClinVar:

NM_001733.7(C1R):c.3-19CT[2]

Gene: C1R (complement C1r; minus strand). Cytogenetic location: 12p13.31.
Variant type: Microsatellite.
Coding change: c.3-19CT[2] on transcript NM_001733.7 (MANE Select); two copies in a row of the 2-base unit CT starting at c.3-19; the reference has three copies in a row; one copy, 2 bases deleted.
Molecular consequence: intron variant.
Genome position (GRCh38, 1-based): chr12:7,091,694-7,091,695, AG deleted on the plus strand (CT on the coding strand, the reverse complement: C1R is on the minus strand); deleting any 2 consecutive bases within chr12:7,091,694-7,091,699 gives the same sequence; the position shown is the placement nearest the transcript's 3' end. VCF-style (leftmost placement, unchanged base first): chr12-7091693-AAG-A. GRCh37 (hg19) VCF-style: chr12-7244289-AAG-A.
Other names: c.45-19CT[2] (NM_001354346.2); c.3-15_3-14delCT (NM_001733.7).
Identifiers: ClinVar variation 4848118 (VCV004848118.1).
Genomic context (GRCh38, chr12:7,091,693, plus strand): 5'-CCTCCTGCCCTGCAGAACAGGGCCGGCACCAGGAGGTACAAGAGCCACCTGCCAAAACAA[AAG>A]AGAGTATCTGGAGCTGGAGGGGTTCAGCACTCTTGCCATGTGGGCAGTGGCTGTGGCAGG-3'

ClinVar aggregate classification (germline): Likely benign (1 of 4 stars; one submission).

Submission:

Women's Health and Genetics/Laboratory Corporation of America, LabCorp
Classification: Likely benign. Last evaluated: 2026-02-02. Review status: criteria provided, single submitter. Criteria: LabCorp Variant Classification Summary - May 2015. Collection method: clinical testing. Allele origin: germline.
Comment: Variant summary: C1R c.3-15_3-14delCT alters a nucleotide located at a position not widely known to affect splicing. Consensus agreement among computation tools predict no significant impact on normal splicing. However, these predictions have yet to be confirmed by functional studies. The variant allele was found at a frequency of 2.4e-05 in 164542 control chromosomes. The available data on variant occurrences in the general population are insufficient to allow any conclusion about variant significance. To our knowledge, no occurrence of c.3-15_3-14delCT in individuals affected with C1R-related conditions and no experimental evidence demonstrating its impact on protein function have been reported. No submitters have cited clinical-significance assessments for this variant to ClinVar. Based on the evidence outlined above, the variant was classified as likely benign.